The following is an entry in ClinVar:

NM_013447.4(ADGRE2):c.1807G>T (p.Ala603Ser)

Gene: ADGRE2 (adhesion G protein-coupled receptor E2; minus strand). Cytogenetic location: 19p13.12.
Variant type: single nucleotide variant.
Coding change: c.1807G>T on transcript NM_013447.4 (MANE Select); coding-DNA position 1807, G replaced by T.
Protein change: p.Ala603Ser; replaces alanine 603 with serine.
Molecular consequence: missense variant.
Genome position (GRCh38, 1-based): chr19:14,751,653, C>A on the plus strand (G>T on the coding strand, the complement: ADGRE2 is on the minus strand). VCF-style: chr19-14751653-C-A. GRCh37 (hg19) VCF-style: chr19-14862465-C-A.
Other names: c.1633G>T, p.Ala545Ser (NM_001271052.1); c.1660G>T, p.Ala554Ser (NM_152916.2); c.1528G>T, p.Ala510Ser (NM_152917.2); short protein forms A510S, A545S, A554S, A603S.
Identifiers: ClinVar variation 2892961 (VCV002892961.3), dbSNP rs760081009, ClinGen allele CA404453148.
Genomic context (GRCh38, chr19:14,751,653, plus strand): 5'-ACAGGGCCTCCAGCAGCATCCAGGTCAAGGTGGCCAGGTAGAGATAGTGCAAGGTACCGG[C>A]GATGATGGAGCACAGCACCTGGCGGAGAAGTAAAAGACGCCCAGAGCGGCGATCAGATTT-3'
Protein context (NP_038475.2, residues 593-613): TGHKVLCSII[Ala603Ser]GTLHYLYLAT

ClinVar aggregate classification (germline): Uncertain significance (1 of 4 stars; one submission).

Submission:

Labcorp Genetics (formerly Invitae), Labcorp
Classification: Uncertain significance. Last evaluated: 2023-06-22. Review status: criteria provided, single submitter. Criteria: Invitae Variant Classification Sherloc (09022015). Collection method: clinical testing. Allele origin: germline.
Comment: This sequence change replaces alanine, which is neutral and non-polar, with serine, which is neutral and polar, at codon 603 of the ADGRE2 protein (p.Ala603Ser). This variant is not present in population databases (gnomAD no frequency). This variant has not been reported in the literature in individuals affected with ADGRE2-related conditions. An algorithm developed to predict the effect of missense changes on protein structure and function (PolyPhen-2) suggests that this variant is likely to be disruptive. In summary, the available evidence is currently insufficient to determine the role of this variant in disease. Therefore, it has been classified as a Variant of Uncertain Significance.